The following is an entry in ClinVar:

ClinVar aggregate classification (germline): Uncertain significance (1 of 4 stars; one submission).

Conditions:
CHARGE syndrome (CHARGE). Also called: Coloboma, heart anomaly, choanal atresia, retardation, genital and ear anomalies; CHARGE association; Hall-Hittner syndrome; Hittner Hirsch Kreh syndrome; CHARGE ASSOCIATION--COLOBOMA, HEART ANOMALY, CHOANAL ATRESIA, RETARDATION, GENITAL AND EAR ANOMALIES. Identifiers: Orphanet 138, MedGen C0265354, MONDO:0008965.

Submission:

Genetics, Children's Hospital New Orleans
Classification: Uncertain significance for CHD7-related CHARGE syndrome. Last evaluated: 2019-07-29. Review status: criteria provided, single submitter. Criteria: ACMG Guidelines, 2015. Collection method: clinical testing. Allele origin: de novo. Inheritance: Autosomal dominant inheritance. Affected: yes. Observed: 1 heterozygote.
Comment: To our knowledge, this variant has not previously been published in the literature, and according to the Genome Aggregation Database, there are no reported variants at this locus. The variant is currently classified as a VOUS as it has not been shown to be benign or pathogenic; however, in-silico analyses support a deleterious effect.

NM_017780.4(CHD7):c.5243T>C (p.Leu1748Pro)

Gene: CHD7 (chromodomain helicase DNA binding protein 7; plus strand). Cytogenetic location: 8q12.2.
Variant type: single nucleotide variant.
Coding change: c.5243T>C on transcript NM_017780.4 (MANE Select); coding-DNA position 5243, T replaced by C.
Protein change: p.Leu1748Pro; replaces leucine 1748 with proline.
Molecular consequence: missense variant. On other transcripts: intron variant (1).
Genome position (GRCh38, 1-based): chr8:60,848,547, T>C. VCF-style: chr8-60848547-T-C. GRCh37 (hg19) VCF-style: chr8-61761106-T-C.
Other names: c.1717-13682T>C (NM_001316690.1); short protein forms L1748P.
Identifiers: ClinVar variation 638266 (VCV000638266.2), dbSNP rs1586437186, ClinGen allele CA371320826.